The following is an entry in ClinVar:

NM_001145860.2(POP1):c.311-2A>G

Gene: POP1 (POP1 ribonuclease P/MRP subunit; plus strand). Cytogenetic location: 8q22.2.
Variant type: single nucleotide variant.
Coding change: c.311-2A>G on transcript NM_001145860.2 (MANE Select); the canonical splice acceptor site of the intron before coding-DNA position 311, A replaced by G.
Molecular consequence: splice acceptor variant.
Genome position (GRCh38, 1-based): chr8:98,128,363, A>G. VCF-style: chr8-98128363-A-G. GRCh37 (hg19) VCF-style: chr8-99140591-A-G.
Other names: c.311-2A>G (NM_001145861.2, NM_015029.3).
Identifiers: ClinVar variation 2975670 (VCV002975670.3), dbSNP rs200575318, ClinGen allele CA4820286.

ClinVar aggregate classification (germline): Likely pathogenic (1 of 4 stars; one submission).

Allele frequency attached by ClinVar (database versions not stated): ExAC 0.00001; gnomAD 0.00001; TOPMed 0.00001; gnomAD exomes 0.00002.
gnomAD v4.1: 28 of 1,613,712 alleles (0.0017%); highest among the groups gnomAD compares: Non-Finnish European, 0.0023%; no homozygotes.

Submission:

Labcorp Genetics (formerly Invitae), Labcorp
Classification: Likely pathogenic. Last evaluated: 2024-10-22. Review status: criteria provided, single submitter. Criteria: Invitae Variant Classification Sherloc (09022015). Collection method: clinical testing. Allele origin: germline.
Comment: This sequence change affects an acceptor splice site in intron 3 of the POP1 gene. It is expected to disrupt RNA splicing. Variants that disrupt the donor or acceptor splice site typically lead to a loss of protein function (PMID: 16199547), and loss-of-function variants in POP1 are known to be pathogenic (PMID: 21455487). This variant is present in population databases (rs200575318, gnomAD 0.004%). This variant has not been reported in the literature in individuals affected with POP1-related conditions. Algorithms developed to predict the effect of sequence changes on RNA splicing suggest that this variant may disrupt the consensus splice site. In summary, the currently available evidence indicates that the variant is pathogenic, but additional data are needed to prove that conclusively. Therefore, this variant has been classified as Likely Pathogenic.

Literature cited by the submitters: PubMed 16199547; PubMed 21455487.